The following is an entry in ClinVar:

ClinVar aggregate classification (germline): Uncertain significance (1 of 4 stars; one submission).

Conditions:
Multiple acyl-CoA dehydrogenase deficiency (MADD). Also called: ETHYLMALONIC-ADIPICACIDURIA; GA II; Glutaric aciduria, type 2; Glutaric acidemia type II; GA 2; Glutaric Acidemia type 2. Identifiers: Orphanet 26791, MedGen C0268596, MONDO:0009282, OMIM 231680.

Submission:

Labcorp Genetics (formerly Invitae), Labcorp
Classification: Uncertain significance for Multiple acyl-CoA dehydrogenase deficiency. Last evaluated: 2022-08-10. Review status: criteria provided, single submitter. Criteria: Invitae Variant Classification Sherloc (09022015). Collection method: clinical testing. Allele origin: germline.
Comment: In summary, the available evidence is currently insufficient to determine the role of this variant in disease. Therefore, it has been classified as a Variant of Uncertain Significance. Algorithms developed to predict the effect of missense changes on protein structure and function are either unavailable or do not agree on the potential impact of this missense change (SIFT: "Tolerated"; PolyPhen-2: "Possibly Damaging"; Align-GVGD: "Class C15"). This variant has not been reported in the literature in individuals affected with ETFB-related conditions. This variant is not present in population databases (gnomAD no frequency). This sequence change replaces alanine, which is neutral and non-polar, with serine, which is neutral and polar, at codon 112 of the ETFB protein (p.Ala112Ser).

NM_001985.3(ETFB):c.334G>T (p.Ala112Ser)

Gene: ETFB (electron transfer flavoprotein subunit beta; minus strand). Cytogenetic location: 19q13.41.
Variant type: single nucleotide variant.
Coding change: c.334G>T on transcript NM_001985.3 (MANE Select); coding-DNA position 334, G replaced by T.
Protein change: p.Ala112Ser; replaces alanine 112 with serine.
Molecular consequence: missense variant.
Genome position (GRCh38, 1-based): chr19:51,353,173, C>A on the plus strand (G>T on the coding strand, the complement: ETFB is on the minus strand). VCF-style: chr19-51353173-C-A. GRCh37 (hg19) VCF-style: chr19-51856427-C-A.
Other names: c.607G>T, p.Ala203Ser (NM_001014763.1); short protein forms A112S, A203S.
Identifiers: ClinVar variation 2102567 (VCV002102567.4), dbSNP rs2514153148, ClinGen allele CA407082477.